The following is an entry in ClinVar:

NM_001457.4(FLNB):c.5839G>T (p.Gly1947Cys)

Gene: FLNB (filamin B; plus strand). Cytogenetic location: 3p14.3.
Variant type: single nucleotide variant.
Coding change: c.5839G>T on transcript NM_001457.4 (MANE Select); coding-DNA position 5839, G replaced by T.
Protein change: p.Gly1947Cys; replaces glycine 1947 with cysteine.
Molecular consequence: missense variant.
Genome position (GRCh38, 1-based): chr3:58,148,316, G>T. VCF-style: chr3-58148316-G-T. GRCh37 (hg19) VCF-style: chr3-58134043-G-T.
Other names: c.5932G>T, p.Gly1978Cys (NM_001164317.2); c.5806G>T, p.Gly1936Cys (NM_001164318.2); c.5767G>T, p.Gly1923Cys (NM_001164319.2); short protein forms G1936C, G1978C, G1923C, G1947C.
Identifiers: ClinVar variation 1036928 (VCV001036928.5), dbSNP rs375845000, ClinGen allele CA2469168.
Genomic context (GRCh38, chr3:58,148,316, plus strand): 5'-CTGCTCGACATCAGTGAGACTGACCTCAGCAGCCTGACGGCCAGCATTAAGGCCCCATCT[G>T]GCCGAGACGAGCCCTGTCTCCTGAAGAGGCTGCCCAACAACCACATTGGTGAGCTAGGCT-3'
Protein context (NP_001448.2, residues 1937-1957): SLTASIKAPS[Gly1947Cys]RDEPCLLKRL

ClinVar aggregate classification (germline): Uncertain significance (1 of 4 stars; one submission).

Allele frequency attached by ClinVar (database versions not stated): gnomAD exomes below 0.00001; ExAC 0.00002; gnomAD 0.00003 and 0.00004; TOPMed 0.00003; ESP Exome Variant Server 0.00008.
gnomAD v4.1: 29 of 1,613,970 alleles (0.0018%); highest among the groups gnomAD compares: Non-Finnish European, 0.0024%; no homozygotes.

Submission:

Labcorp Genetics (formerly Invitae), Labcorp
Classification: Uncertain significance. Last evaluated: 2023-11-07. Review status: criteria provided, single submitter. Criteria: Invitae Variant Classification Sherloc (09022015). Collection method: clinical testing. Allele origin: germline.
Comment: This sequence change replaces glycine, which is neutral and non-polar, with cysteine, which is neutral and slightly polar, at codon 1947 of the FLNB protein (p.Gly1947Cys). This variant is present in population databases (rs375845000, gnomAD 0.002%). This variant has not been reported in the literature in individuals affected with FLNB-related conditions. ClinVar contains an entry for this variant (Variation ID: 1036928). Advanced modeling of protein sequence and biophysical properties (such as structural, functional, and spatial information, amino acid conservation, physicochemical variation, residue mobility, and thermodynamic stability) performed at Invitae indicates that this missense variant is not expected to disrupt FLNB protein function with a negative predictive value of 95%. In summary, the available evidence is currently insufficient to determine the role of this variant in disease. Therefore, it has been classified as a Variant of Uncertain Significance.